The following is an entry in ClinVar:

ClinVar aggregate classification (germline): Uncertain significance (1 of 4 stars; one submission).

Conditions:
RYR1-related disorder. Also called: RYR1-related condition; RYR1-related disorders. Identifiers: MedGen CN239331.

Submission:

Labcorp Genetics (formerly Invitae), Labcorp
Classification: Uncertain significance for RYR1-related disorder. Last evaluated: 2022-08-23. Review status: criteria provided, single submitter. Criteria: Invitae Variant Classification Sherloc (09022015). Collection method: clinical testing. Allele origin: germline.
Comment: This sequence change replaces leucine, which is neutral and non-polar, with valine, which is neutral and non-polar, at codon 605 of the RYR1 protein (p.Leu605Val). In summary, the available evidence is currently insufficient to determine the role of this variant in disease. Therefore, it has been classified as a Variant of Uncertain Significance. Algorithms developed to predict the effect of sequence changes on RNA splicing suggest that this variant may create or strengthen a splice site. Advanced modeling of protein sequence and biophysical properties (such as structural, functional, and spatial information, amino acid conservation, physicochemical variation, residue mobility, and thermodynamic stability) performed at Invitae indicates that this missense variant is expected to disrupt RYR1 protein function. This variant has not been reported in the literature in individuals affected with RYR1-related conditions. This variant is not present in population databases (gnomAD no frequency).

NM_000540.3(RYR1):c.1813C>G (p.Leu605Val)

Gene: RYR1 (ryanodine receptor 1; plus strand). Cytogenetic location: 19q13.2.
Variant type: single nucleotide variant.
Coding change: c.1813C>G on transcript NM_000540.3 (MANE Select); coding-DNA position 1813, C replaced by G.
Protein change: p.Leu605Val; replaces leucine 605 with valine.
Molecular consequence: missense variant.
Genome position (GRCh38, 1-based): chr19:38,457,518, C>G. VCF-style: chr19-38457518-C-G. GRCh37 (hg19) VCF-style: chr19-38948158-C-G.
Other names: c.1813C>G, p.Leu605Val (NM_001042723.2); short protein forms L605V.
Identifiers: ClinVar variation 2036602 (VCV002036602.4), dbSNP rs2514038013, ClinGen allele CA405693727.